The following is an entry in ClinVar:

NM_005732.4(RAD50):c.871G>A (p.Glu291Lys)

Gene: RAD50 (RAD50 double strand break repair protein; plus strand). Cytogenetic location: 5q31.1.
Variant type: single nucleotide variant.
Coding change: c.871G>A on transcript NM_005732.4 (MANE Select); coding-DNA position 871, G replaced by A.
Protein change: p.Glu291Lys; replaces glutamic acid 291 with lysine.
Molecular consequence: missense variant.
Genome position (GRCh38, 1-based): chr5:132,587,676, G>A. VCF-style: chr5-132587676-G-A. GRCh37 (hg19) VCF-style: chr5-131923368-G-A.
Other names: short protein forms E291K.
Identifiers: ClinVar variation 186705 (VCV000186705.15), dbSNP rs375069351, ClinGen allele CA195615.

ClinVar aggregate classification (germline): Uncertain significance. Review status: criteria provided, multiple submitters, no conflicts (2 of 4 stars). 2 submissions from 2 submitters: Uncertain significance (2). Last evaluated 2025-03-08.

Conditions:
Hereditary cancer-predisposing syndrome. Also called: Neoplastic Syndromes, Hereditary; Tumor predisposition; Hereditary Cancer Syndrome; Hereditary neoplastic syndrome. Identifiers: Orphanet 140162, MedGen C0027672, MeSH D009386, MONDO:0015356.

Allele frequency attached by ClinVar (database versions not stated): ExAC 0.00001; gnomAD exomes 0.00001; gnomAD 0.00004; TOPMed 0.00006; ESP Exome Variant Server 0.00008.
gnomAD v4.1: 14 of 1,613,582 alleles (0.00087%); highest among the groups gnomAD compares: African/African-American, 0.017%; no homozygotes.

Submissions (2):

Ambry Genetics
Classification: Uncertain significance for Hereditary cancer-predisposing syndrome. Last evaluated: 2025-03-08. Review status: criteria provided, single submitter. Criteria: Ambry Variant Classification Scheme 2023. Collection method: clinical testing. Allele origin: germline.
Comment: The p.E291K variant (also known as c.871G>A), located in coding exon 6 of the RAD50 gene, results from a G to A substitution at nucleotide position 871. The glutamic acid at codon 291 is replaced by lysine, an amino acid with similar properties. This amino acid position is poorly conserved in available vertebrate species. In addition, this alteration is predicted to be tolerated by in silico analysis. Since supporting evidence is limited at this time, the clinical significance of this alteration remains unclear.

Labcorp Genetics (formerly Invitae), Labcorp
Classification: Uncertain significance for Hereditary cancer-predisposing syndrome. Last evaluated: 2024-10-26. Review status: criteria provided, single submitter. Criteria: Invitae Variant Classification Sherloc (09022015). Collection method: clinical testing. Allele origin: germline.
Comment: This sequence change replaces glutamic acid, which is acidic and polar, with lysine, which is basic and polar, at codon 291 of the RAD50 protein (p.Glu291Lys). This variant is present in population databases (rs375069351, gnomAD 0.01%). This variant has not been reported in the literature in individuals affected with RAD50-related conditions. ClinVar contains an entry for this variant (Variation ID: 186705). Invitae Evidence Modeling of protein sequence and biophysical properties (such as structural, functional, and spatial information, amino acid conservation, physicochemical variation, residue mobility, and thermodynamic stability) indicates that this missense variant is not expected to disrupt RAD50 protein function with a negative predictive value of 80%. In summary, the available evidence is currently insufficient to determine the role of this variant in disease. Therefore, it has been classified as a Variant of Uncertain Significance.